The following is an entry in ClinVar:

ClinVar aggregate classification (germline): Pathogenic (1 of 4 stars; one submission).

Conditions:
Joubert syndrome. Also called: CEREBELLOPARENCHYMAL DISORDER IV; JOUBERT-BOLTSHAUSER SYNDROME; Familial aplasia of the vermis. Identifiers: Orphanet 475, MedGen C5979921, MONDO:0018772.

Submission:

Labcorp Genetics (formerly Invitae), Labcorp
Classification: Pathogenic for Joubert syndrome. Last evaluated: 2024-01-10. Review status: criteria provided, single submitter. Criteria: Invitae Variant Classification Sherloc (09022015). Collection method: clinical testing. Allele origin: unknown.
Comment: This variant is a gross deletion of the genomic region encompassing exon(s) 14 of the AHI1 gene. This deletion is out-of-frame, and is expected to create a premature termination codon and result in an absent or disrupted protein product. Loss-of-function variants in AHI1 are known to be pathogenic (PMID: 15322546, 16453322, 28442542, 29186038). A similar copy number variant has been observed in individual(s) with AHI1-related conditions (PMID: 28041643). For these reasons, this variant has been classified as Pathogenic.

Literature cited by the submitters: PubMed 15322546; PubMed 16453322; PubMed 28442542; PubMed 29186038; PubMed 28041643.

NC_000006.11:g.(?_135759493)_(135759656_?)del

Gene: AHI1 (Abelson helper integration site 1; minus strand). Cytogenetic location: 6q23.3.
Variant type: Deletion.
Identifiers: ClinVar variation 3245975 (VCV003245975.1).